The following is an entry in ClinVar:

ClinVar aggregate classification (germline): Pathogenic. Review status: criteria provided, multiple submitters, no conflicts (2 of 4 stars). 2 submissions from 2 submitters: Pathogenic (2). Last evaluated 2025-04-14.

Conditions:
Exostoses, multiple, type 2 (EXT2). Also called: EXOSTOSES, MULTIPLE, TYPE II; Hereditary Multiple Osteochondromatosis, Type II. Identifiers: Orphanet 321, MedGen C1851413, MONDO:0007586, OMIM 133701.

Submissions (2):

GeneDx
Classification: Pathogenic. Last evaluated: 2025-04-14. Review status: criteria provided, single submitter. Criteria: GeneDx Variant Classification Process June 2021. Collection method: clinical testing. Allele origin: germline. Affected: yes.
Comment: Frameshift variant predicted to result in protein truncation or nonsense mediated decay in a gene for which loss of function is a known mechanism of disease; Not observed at significant frequency in large population cohorts (gnomAD); This variant is associated with the following publications: (PMID: 19810120, 26961984, 23262345)

Labcorp Genetics (formerly Invitae), Labcorp
Classification: Pathogenic for Exostoses, multiple, type 2. Last evaluated: 2024-01-05. Review status: criteria provided, single submitter. Criteria: Invitae Variant Classification Sherloc (09022015). Collection method: clinical testing. Allele origin: germline.
Comment: This sequence change creates a premature translational stop signal (p.Ser121Cysfs*10) in the EXT2 gene. It is expected to result in an absent or disrupted protein product. Loss-of-function variants in EXT2 are known to be pathogenic (PMID: 10679937, 19810120). This variant is not present in population databases (gnomAD no frequency). This premature translational stop signal has been observed in individuals with multiple osteochondromas (PMID: 19810120, 23262345, 26961984). This variant is also known as c.361TΔ2nt (p.S121fs). ClinVar contains an entry for this variant (Variation ID: 581984). For these reasons, this variant has been classified as Pathogenic.

Literature cited by the submitters: PubMed 10679937 (cited by Labcorp Genetics (formerly Invitae), Labcorp); PubMed 19810120 (cited by Labcorp Genetics (formerly Invitae), Labcorp); PubMed 23262345 (cited by Labcorp Genetics (formerly Invitae), Labcorp); PubMed 26961984 (cited by Labcorp Genetics (formerly Invitae), Labcorp).

NM_207122.2(EXT2):c.362_363del (p.Ser121fs)

Gene: EXT2 (exostosin glycosyltransferase 2; plus strand). Cytogenetic location: 11p11.2.
Variant type: Microsatellite.
Coding change: c.362_363del on transcript NM_207122.2 (MANE Select); coding-DNA positions 362 to 363, 2 bases deleted (CT; older notation c.362_363delCT).
Protein change: p.Ser121fs; shifts the reading frame from serine 121.
Molecular consequence: frameshift variant.
Genome position (GRCh38, 1-based): chr11:44,108,074-44,108,075, CT deleted; deleting any 2 consecutive bases within chr11:44,108,071-44,108,075 gives the same sequence; the c. name uses the placement nearest the transcript's 3' end. VCF-style (leftmost placement, unchanged base first): chr11-44108070-GTC-G. GRCh37 (hg19) VCF-style: chr11-44129620-GTC-G.
Other names: c.362_363del (NM_207122.1); c.362_363delCT (NM_207122.1); c.461_462del, p.Ser154fs (NM_000401.3); c.362_363del, p.Ser121fs (NM_001178083.3); short protein forms S121fs, S154fs.
Identifiers: ClinVar variation 581984 (VCV000581984.8), dbSNP rs1565196489, ClinGen allele CA891843396.